The following is an entry in ClinVar:

NM_203290.4(POLR1C):c.53A>T (p.Glu18Val)

Genes: POLR1C (RNA polymerase I and III subunit C; plus strand), LOC129996517 (ATAC-STARR-seq lymphoblastoid active region 24602; plus strand). Cytogenetic location: 6p21.1.
Variant type: single nucleotide variant.
Coding change: c.53A>T on transcript NM_203290.4 (MANE Select); coding-DNA position 53, A replaced by T.
Protein change: p.Glu18Val; replaces glutamic acid 18 with valine.
Molecular consequence: missense variant.
Genome position (GRCh38, 1-based): chr6:43,517,162, A>T. VCF-style: chr6-43517162-A-T. GRCh37 (hg19) VCF-style: chr6-43484900-A-T.
Other names: c.53A>T, p.Glu18Val (NM_001318876.2, NM_001363658.2); short protein forms E18V.
Identifiers: ClinVar variation 4535736 (VCV004535736.1).

ClinVar aggregate classification (germline): Uncertain significance (1 of 4 stars; one submission).

Submission:

Women's Health and Genetics/Laboratory Corporation of America, LabCorp
Classification: Uncertain significance. Last evaluated: 2025-09-05. Review status: criteria provided, single submitter. Criteria: LabCorp Variant Classification Summary - May 2015. Collection method: clinical testing. Allele origin: germline.
Comment: Variant summary: POLR1C c.53A>T (p.Glu18Val) results in a non-conservative amino acid change in the encoded protein sequence. Algorithms developed to predict the effect of missense changes on protein structure and function all suggest that this variant is likely to be disruptive. The variant was absent in 251488 control chromosomes. The available data on variant occurrences in the general population are insufficient to allow any conclusion about variant significance. c.53A>T has been observed in the compound heterozygous state in at least 1 individual(s) affected with POLR1C-Related Disorders (example, Liu_2024). These data do not allow any conclusion about variant significance. To our knowledge, no experimental evidence demonstrating an impact on protein function has been reported. The following publication has been ascertained in the context of this evaluation (PMID: 38550343). No submitters have cited clinical-significance assessments for this variant to ClinVar. Based on the evidence outlined above, the variant was classified as uncertain significance.

Literature cited by the submitters: PubMed 38550343.